The following is an entry in ClinVar:

ClinVar aggregate classification (germline): Conflicting classifications of pathogenicity. Review status: criteria provided, conflicting classifications (1 of 4 stars). 2 submissions from 2 submitters: Uncertain significance (1); Likely benign (1). Last evaluated 2025-07-27.

Conditions:
Inborn genetic diseases. Identifiers: MedGen C0950123, MeSH D030342.

Allele frequency attached by ClinVar (database versions not stated): gnomAD 0.00001; gnomAD exomes 0.00004; ExAC 0.00005; TOPMed 0.00005.
gnomAD v4.1: 34 of 1,613,836 alleles (0.0021%); highest among the groups gnomAD compares: South Asian, 0.012%; no homozygotes.

Submissions (2):

Labcorp Genetics (formerly Invitae), Labcorp
Classification: Uncertain significance. Last evaluated: 2025-07-27. Review status: criteria provided, single submitter. Criteria: Invitae Variant Classification Sherloc (09022015). Collection method: clinical testing. Allele origin: germline.
Comment: This sequence change replaces arginine, which is basic and polar, with glutamine, which is neutral and polar, at codon 775 of the CSF2RB protein (p.Arg775Gln). This variant is present in population databases (rs751339649, gnomAD 0.02%). This variant has not been reported in the literature in individuals affected with CSF2RB-related conditions. ClinVar contains an entry for this variant (Variation ID: 1443168). Invitae Evidence Modeling of protein sequence and biophysical properties (such as structural, functional, and spatial information, amino acid conservation, physicochemical variation, residue mobility, and thermodynamic stability) indicates that this missense variant is not expected to disrupt CSF2RB protein function with a negative predictive value of 80%. In summary, the available evidence is currently insufficient to determine the role of this variant in disease. Therefore, it has been classified as a Variant of Uncertain Significance.

Ambry Genetics
Classification: Likely benign for Inborn genetic diseases. Last evaluated: 2023-09-18. Review status: criteria provided, single submitter. Criteria: Ambry Variant Classification Scheme 2023. Collection method: clinical testing. Allele origin: germline.

NM_000395.3(CSF2RB):c.2324G>A (p.Arg775Gln)

Gene: CSF2RB (colony stimulating factor 2 receptor subunit beta; plus strand). Cytogenetic location: 22q12.3.
Variant type: single nucleotide variant.
Coding change: c.2324G>A on transcript NM_000395.3 (MANE Select); coding-DNA position 2324, G replaced by A.
Protein change: p.Arg775Gln; replaces arginine 775 with glutamine.
Molecular consequence: missense variant.
Genome position (GRCh38, 1-based): chr22:36,938,132, G>A. VCF-style: chr22-36938132-G-A. GRCh37 (hg19) VCF-style: chr22-37334174-G-A.
Other names: c.2324G>A (NM_000395.2); short protein forms R775Q.
Identifiers: ClinVar variation 1443168 (VCV001443168.9), dbSNP rs751339649, ClinGen allele CA10214089.